The following is an entry in ClinVar:

ClinVar aggregate classification (germline): Uncertain significance (1 of 4 stars; one submission).

Allele frequency attached by ClinVar (database versions not stated): gnomAD exomes below 0.00001; gnomAD 0.00001.
gnomAD v4.1: 6 of 1,613,520 alleles (0.00037%); highest among the groups gnomAD compares: African/African-American, 0.0027%; no homozygotes.

Submission:

Labcorp Genetics (formerly Invitae), Labcorp
Classification: Uncertain significance. Last evaluated: 2023-10-05. Review status: criteria provided, single submitter. Criteria: Invitae Variant Classification Sherloc (09022015). Collection method: clinical testing. Allele origin: germline.
Comment: This sequence change replaces arginine, which is basic and polar, with glutamine, which is neutral and polar, at codon 1256 of the COL4A2 protein (p.Arg1256Gln). This variant is not present in population databases (gnomAD no frequency). This variant has not been reported in the literature in individuals affected with COL4A2-related conditions. Advanced modeling of protein sequence and biophysical properties (such as structural, functional, and spatial information, amino acid conservation, physicochemical variation, residue mobility, and thermodynamic stability) performed at Invitae indicates that this missense variant is not expected to disrupt COL4A2 protein function. In summary, the available evidence is currently insufficient to determine the role of this variant in disease. Therefore, it has been classified as a Variant of Uncertain Significance.

NM_001846.4(COL4A2):c.3767G>A (p.Arg1256Gln)

Gene: COL4A2 (collagen type IV alpha 2 chain; plus strand). Cytogenetic location: 13q34.
Variant type: single nucleotide variant.
Coding change: c.3767G>A on transcript NM_001846.4 (MANE Select); coding-DNA position 3767, G replaced by A.
Protein change: p.Arg1256Gln; replaces arginine 1256 with glutamine.
Molecular consequence: missense variant.
Genome position (GRCh38, 1-based): chr13:110,501,674, G>A. VCF-style: chr13-110501674-G-A. GRCh37 (hg19) VCF-style: chr13-111154021-G-A.
Other names: short protein forms R1256Q.
Identifiers: ClinVar variation 3007177 (VCV003007177.3), dbSNP rs1594112184, ClinGen allele CA388734894.